The following is an entry in ClinVar:

NM_015910.7(WDPCP):c.1676T>C (p.Leu559Pro)

Gene: WDPCP (WD repeat containing planar cell polarity effector; minus strand). Cytogenetic location: 2p15.
Variant type: single nucleotide variant.
Coding change: c.1676T>C on transcript NM_015910.7 (MANE Select); coding-DNA position 1676, T replaced by C.
Protein change: p.Leu559Pro; replaces leucine 559 with proline.
Molecular consequence: missense variant. On other transcripts: non-coding transcript variant (3).
Genome position (GRCh38, 1-based): chr2:63,378,458, A>G on the plus strand (T>C on the coding strand, the complement: WDPCP is on the minus strand). VCF-style: chr2-63378458-A-G. GRCh37 (hg19) VCF-style: chr2-63605593-A-G.
Other names: c.1199T>C, p.Leu400Pro (NM_001042692.3); c.1604T>C, p.Leu535Pro (NM_001354044.2); c.1676T>C, p.Leu559Pro (NM_001354045.2); short protein forms L535P, L400P, L559P.
Identifiers: ClinVar variation 1471103 (VCV001471103.6), dbSNP rs2104858625, ClinGen allele CA347062974.

ClinVar aggregate classification (germline): Uncertain significance (1 of 4 stars; one submission).

Conditions:
Bardet-Biedl syndrome (BBS). Identifiers: Orphanet 110, MedGen C0752166, MONDO:0015229.

Submission:

Labcorp Genetics (formerly Invitae), Labcorp
Classification: Uncertain significance for Bardet-Biedl syndrome. Last evaluated: 2022-11-01. Review status: criteria provided, single submitter. Criteria: Invitae Variant Classification Sherloc (09022015). Collection method: clinical testing. Allele origin: germline.
Comment: In summary, the available evidence is currently insufficient to determine the role of this variant in disease. Therefore, it has been classified as a Variant of Uncertain Significance. Advanced modeling of protein sequence and biophysical properties (such as structural, functional, and spatial information, amino acid conservation, physicochemical variation, residue mobility, and thermodynamic stability) performed at Invitae indicates that this missense variant is not expected to disrupt WDPCP protein function. ClinVar contains an entry for this variant (Variation ID: 1471103). This variant has not been reported in the literature in individuals affected with WDPCP-related conditions. This variant is not present in population databases (gnomAD no frequency). This sequence change replaces leucine, which is neutral and non-polar, with proline, which is neutral and non-polar, at codon 559 of the WDPCP protein (p.Leu559Pro).